The following is an entry in ClinVar:

ClinVar aggregate classification (germline): Uncertain significance (1 of 4 stars; one submission).

Conditions:
Tall stature-scoliosis-macrodactyly of the great toes syndrome. Also called: Epiphyseal chondrodysplasia, miura type. Identifiers: Orphanet 329191, MedGen C4014690, MONDO:0014401, OMIM 615923.
Acromesomelic dysplasia 1, Maroteaux type (AMD1). Also called: ST. HELENA DYSPLASIA; ACROMESOMELIC DYSPLASIA 1. Identifiers: Orphanet 40, MedGen C1864356, MONDO:0011275, OMIM 602875.

Submission:

Labcorp Genetics (formerly Invitae), Labcorp
Classification: Uncertain significance for Tall stature-scoliosis-macrodactyly of the great toes syndrome; Acromesomelic dysplasia 1, Maroteaux type. Last evaluated: 2024-07-19. Review status: criteria provided, single submitter. Criteria: Invitae Variant Classification Sherloc (09022015). Collection method: clinical testing. Allele origin: germline.
Comment: This sequence change replaces serine, which is neutral and polar, with phenylalanine, which is neutral and non-polar, at codon 113 of the NPR2 protein (p.Ser113Phe). This variant is not present in population databases (gnomAD no frequency). This variant has not been reported in the literature in individuals affected with NPR2-related conditions. Advanced modeling of protein sequence and biophysical properties (such as structural, functional, and spatial information, amino acid conservation, physicochemical variation, residue mobility, and thermodynamic stability) performed at Invitae indicates that this missense variant is not expected to disrupt NPR2 protein function with a negative predictive value of 80%. In summary, the available evidence is currently insufficient to determine the role of this variant in disease. Therefore, it has been classified as a Variant of Uncertain Significance.

NM_003995.4(NPR2):c.338C>T (p.Ser113Phe)

Gene: NPR2 (natriuretic peptide receptor 2; plus strand). Cytogenetic location: 9p13.3.
Variant type: single nucleotide variant.
Coding change: c.338C>T on transcript NM_003995.4 (MANE Select); coding-DNA position 338, C replaced by T.
Protein change: p.Ser113Phe; replaces serine 113 with phenylalanine.
Molecular consequence: missense variant.
Genome position (GRCh38, 1-based): chr9:35,792,746, C>T. VCF-style: chr9-35792746-C-T. GRCh37 (hg19) VCF-style: chr9-35792743-C-T.
Other names: c.338C>T, p.Ser113Phe (NM_001378923.1); short protein forms S113F.
Identifiers: ClinVar variation 3757312 (VCV003757312.2).